The following is an entry in ClinVar:

ClinVar aggregate classification (germline): Uncertain significance. Review status: criteria provided, multiple submitters, no conflicts (2 of 4 stars). 2 submissions from 2 submitters: Uncertain significance (2). Last evaluated 2026-09-09.

Conditions:
Inborn genetic diseases. Identifiers: MedGen C0950123, MeSH D030342.
Benign neonatal seizures. Also called: Convulsions benign familial neonatal dominant form; Autosomal dominant form of benign neonatal seizures; Benign neonatal familial convulsions; Benign familial neonatal epilepsy; Benign familial neonatal seizures. Identifiers: Orphanet 1949, MedGen C0220669, MONDO:0016027.

Allele frequency attached by ClinVar (database versions not stated): gnomAD exomes below 0.00001.
gnomAD v4.1: 6 of 1,614,166 alleles (0.00037%); highest among the groups gnomAD compares: Non-Finnish European, 0.00042%; no homozygotes.

Submissions (2):

Ambry Genetics
Classification: Uncertain significance for Inborn genetic diseases. Last evaluated: 2026-09-09. Review status: criteria provided, single submitter. Criteria: Ambry Variant Classification Scheme 2023. Collection method: clinical testing. Allele origin: germline.
Comment: The c.707G>A (p.R236H) alteration is located in exon 4 (coding exon 4) of the KCNQ3 gene. This alteration results from a G to A substitution at nucleotide position 707, causing the arginine (R) at amino acid position 236 to be replaced by a histidine (H). This variant was not reported in population-based cohorts in the Genome Aggregation Database (gnomAD). This amino acid position is highly conserved in available vertebrate species. This missense variant is located in a region that has a low rate of benign missense variation (Lek, 2016; Firth, 2009). This alteration is predicted to be deleterious by in silico analysis. Based on insufficient or conflicting evidence, the clinical significance of this alteration remains unclear.

Labcorp Genetics (formerly Invitae), Labcorp
Classification: Uncertain significance for Benign neonatal seizures. Last evaluated: 2022-09-14. Review status: criteria provided, single submitter. Criteria: Invitae Variant Classification Sherloc (09022015). Collection method: clinical testing. Allele origin: germline.
Comment: This variant has not been reported in the literature in individuals affected with KCNQ3-related conditions. This sequence change replaces arginine, which is basic and polar, with histidine, which is basic and polar, at codon 236 of the KCNQ3 protein (p.Arg236His). This variant is not present in population databases (gnomAD no frequency). ClinVar contains an entry for this variant (Variation ID: 1026294). Advanced modeling of protein sequence and biophysical properties (such as structural, functional, and spatial information, amino acid conservation, physicochemical variation, residue mobility, and thermodynamic stability) performed at Invitae indicates that this missense variant is expected to disrupt KCNQ3 protein function. In summary, the available evidence is currently insufficient to determine the role of this variant in disease. Therefore, it has been classified as a Variant of Uncertain Significance.

NM_004519.4(KCNQ3):c.707G>A (p.Arg236His)

Gene: KCNQ3 (potassium voltage-gated channel subfamily Q member 3; minus strand). Cytogenetic location: 8q24.22.
Variant type: single nucleotide variant.
Coding change: c.707G>A on transcript NM_004519.4 (MANE Select); coding-DNA position 707, G replaced by A.
Protein change: p.Arg236His; replaces arginine 236 with histidine.
Molecular consequence: missense variant.
Genome position (GRCh38, 1-based): chr8:132,180,227, C>T on the plus strand (G>A on the coding strand, the complement: KCNQ3 is on the minus strand). VCF-style: chr8-132180227-C-T. GRCh37 (hg19) VCF-style: chr8-133192474-C-T.
Other names: c.347G>A, p.Arg116His (NM_001204824.2); c.707G>A (NM_004519.3); short protein forms R116H, R236H.
Identifiers: ClinVar variation 1026294 (VCV001026294.7), dbSNP rs750016305, ClinGen allele CA372290803.
Genomic context (GRCh38, chr8:132,180,227, plus strand): 5'-GCACAGATGGCTGAGCCCAGAAGCTTCCAGGTGCCACCTCTCCGGTCCATCCGCAGCATG[C>T]GCAGGATCTGCAGGAAGCGCAGGCTTCGCAGGGAGGTGGCCAGAACATTGCCTTGGTTTC-3'
Protein context (NP_004510.1, residues 226-246): LRSLRFLQIL[Arg236His]MLRMDRRGGT